The following is an entry in ClinVar:

ClinVar aggregate classification (germline): Uncertain significance (1 of 4 stars; one submission).

Conditions:
CCDC88C-related disorder. Also called: CCDC88C-Related Disorders; CCDC88C-related condition.

gnomAD v4.1: 7 of 1,613,734 alleles (0.00043%); highest among the groups gnomAD compares: African/African-American, 0.0013%; no homozygotes.

Submission:

PreventionGenetics, part of Exact Sciences
Classification: Uncertain significance for CCDC88C-related condition. Last evaluated: 2025-03-24. Review status: criteria provided, single submitter. Criteria: ACMG Guidelines, 2015. Collection method: clinical testing. Allele origin: germline.
Comment: The CCDC88C c.220C>T variant is predicted to result in the amino acid substitution p.Arg74Cys. To our knowledge, this variant has not been reported in the literature. This variant is reported in 0.0065% of alleles in individuals of European (Non-Finnish) descent in gnomAD. At this time, the clinical significance of this variant is uncertain due to the absence of conclusive functional and genetic evidence.

NM_001080414.4(CCDC88C):c.220C>T (p.Arg74Cys)

Gene: CCDC88C (coiled-coil and HOOK domain protein 88C; minus strand). Cytogenetic location: 14q32.12.
Variant type: single nucleotide variant.
Coding change: c.220C>T on transcript NM_001080414.4 (MANE Select); coding-DNA position 220, C replaced by T.
Protein change: p.Arg74Cys; replaces arginine 74 with cysteine.
Molecular consequence: missense variant. On other transcripts: non-coding transcript variant (2).
Genome position (GRCh38, 1-based): chr14:91,408,709, G>A on the plus strand (C>T on the coding strand, the complement: CCDC88C is on the minus strand). VCF-style: chr14-91408709-G-A. GRCh37 (hg19) VCF-style: chr14-91875053-G-A.
Other names: short protein forms R74C.
Identifiers: ClinVar variation 4982950 (VCV004982950.1).